The following is an entry in ClinVar:

NM_007294.4(BRCA1):c.2132A>C (p.Lys711Thr)

Gene: BRCA1 (BRCA1 DNA repair associated; minus strand). Cytogenetic location: 17q21.31.
Variant type: single nucleotide variant.
Coding change: c.2132A>C on transcript NM_007294.4 (MANE Select); coding-DNA position 2132, A replaced by C.
Protein change: p.Lys711Thr; replaces lysine 711 with threonine.
Molecular consequence: missense variant. On other transcripts: intron variant (137).
Genome position (GRCh38, 1-based): chr17:43,093,399, T>G on the plus strand (A>C on the coding strand, the complement: BRCA1 is on the minus strand). VCF-style: chr17-43093399-T-G. GRCh37 (hg19) VCF-style: chr17-41245416-T-G.
Other names: c.709+1345A>C (NM_001408415.1, NM_001408414.1, NM_001408411.1 and 2 more transcripts); c.577+1345A>C (NM_001408483.1, NM_001408514.1, NM_001408485.1 and 9 more transcripts); c.664+1345A>C (NM_001408442.1, NM_001408440.1, NM_001408428.1 and 12 more transcripts); c.671-2367A>C (NM_001408418.1, NM_001408423.1, NM_001408420.1 and 2 more transcripts); c.787+1345A>C (NM_001407981.1, NM_007298.4, NM_001407978.1 and 17 more transcripts); c.643+1345A>C (NM_001408462.1, NM_001408470.1, NM_001408464.1 and 3 more transcripts); c.661+1345A>C (NM_001408447.1, NM_001408433.1, NM_001408450.1 and 6 more transcripts); c.784+1345A>C (NM_001408400.1, NM_001408392.1, NM_001407986.1 and 13 more transcripts); and 41 more; short protein forms K583T, K599T, K644T, K663T, K685T, K710T, K711T, K543T.
Identifiers: ClinVar variation 2082889 (VCV002082889.6), dbSNP rs2154397653, ClinGen allele CA10597742.
Genomic context (GRCh38, chr17:43,093,399, plus strand): 5'-TTTTCTTCTCTTGGAAGGCTAGGATTGACAAATTCTTTAAGTTCACTGGTATTTGAACAC[T>G]TAGTAAAAGAACCAGGTGCATTTGTTAACTTCAGCTCTGGGAAAGTATCGCTGTCATGTC-3'
Protein context (NP_009225.1, residues 701-721): KLTNAPGSFT[Lys711Thr]CSNTSELKEF

ClinVar aggregate classification (germline): Conflicting classifications of pathogenicity. Review status: criteria provided, conflicting classifications (1 of 4 stars). 2 submissions from 2 submitters: Uncertain significance (1); Likely benign (1). Last evaluated 2023-03-23.

Conditions:
Hereditary cancer-predisposing syndrome. Also called: Tumor predisposition; Neoplastic Syndromes, Hereditary; Hereditary Cancer Syndrome; Hereditary neoplastic syndrome. Identifiers: Orphanet 140162, MedGen C0027672, MeSH D009386, MONDO:0015356.
Hereditary breast ovarian cancer syndrome. Also called: BRCA1- and BRCA2-Associated Hereditary Breast and Ovarian Cancer; Hereditary breast and/or ovarian cancer syndrome; Hereditary breast and ovarian cancer syndrome; Hereditary breast and ovarian cancer syndrome (HBOC); Breast and ovarian cancer; Hereditary breast and ovarian cancer. Identifiers: Orphanet 145, MedGen C0677776, MeSH D061325, MONDO:0003582. Disease mechanism: loss of function.

Submissions (2):

University of Washington Department of Laboratory Medicine, University of Washington
Classification: Likely benign for Hereditary cancer-predisposing syndrome. Last evaluated: 2023-03-23. Review status: criteria provided, single submitter. Criteria: Dines et al. (Genet Med. 2020). Collection method: curation. Allele origin: germline.
Comment: Missense variant in a coldspot region where missense variants are very unlikely to be pathogenic (PMID:31911673).

BRCA1 coldspot (exon 11 using historical exon numbering). Reclassification based on statistical prior probability

Labcorp Genetics (formerly Invitae), Labcorp
Classification: Uncertain significance for Hereditary breast ovarian cancer syndrome. Last evaluated: 2022-01-15. Review status: criteria provided, single submitter. Criteria: Invitae Variant Classification Sherloc (09022015). Collection method: clinical testing. Allele origin: germline.
Comment: This variant is not present in population databases (gnomAD no frequency). In summary, the available evidence is currently insufficient to determine the role of this variant in disease. Therefore, it has been classified as a Variant of Uncertain Significance. Advanced modeling of protein sequence and biophysical properties (such as structural, functional, and spatial information, amino acid conservation, physicochemical variation, residue mobility, and thermodynamic stability) performed at Invitae indicates that this missense variant is not expected to disrupt BRCA1 protein function. This variant has not been reported in the literature in individuals affected with BRCA1-related conditions. This sequence change replaces lysine, which is basic and polar, with threonine, which is neutral and polar, at codon 711 of the BRCA1 protein (p.Lys711Thr).